The following is an entry in ClinVar:

NM_004821.3(HAND1):c.55_63dup (p.Pro21_Met22insAlaHisPro)

Gene: HAND1 (heart and neural crest derivatives expressed 1; minus strand). Cytogenetic location: 5q33.2.
Variant type: Duplication.
Coding change: c.55_63dup on transcript NM_004821.3 (MANE Select); coding-DNA positions 55 to 63, 9 bases duplicated (GCGCACCCC; older notation c.55_63dupGCGCACCCC).
Protein change: p.Pro21_Met22insAlaHisPro.
Molecular consequence: inframe insertion.
Genome position (GRCh38, 1-based): chr5:154,477,946-154,477,954, GGGGTGCGC duplicated on the plus strand (GCGCACCCC on the coding strand, the reverse complement: HAND1 is on the minus strand). VCF-style (leftmost placement, unchanged base first): chr5-154477945-T-TGGGGTGCGC. GRCh37 (hg19) VCF-style: chr5-153857505-T-TGGGGTGCGC.
Identifiers: ClinVar variation 2696724 (VCV002696724.3), dbSNP rs2532478528, ClinGen allele CA2676143867.

ClinVar aggregate classification (germline): Uncertain significance (1 of 4 stars; one submission).

Conditions:
Hypoplastic left heart syndrome. Also called: Hypoplastic left ventricle; Hypoplastic left heart. Identifiers: Orphanet 2248, MedGen C0152101, MONDO:0004933, HP:0004383.

Allele frequency attached by ClinVar (database versions not stated): gnomAD exomes below 0.00001.

Submission:

Labcorp Genetics (formerly Invitae), Labcorp
Classification: Uncertain significance for Hypoplastic left heart syndrome. Last evaluated: 2023-11-17. Review status: criteria provided, single submitter. Criteria: Invitae Variant Classification Sherloc (09022015). Collection method: clinical testing. Allele origin: germline.
Comment: This variant, c.55_63dup, results in the insertion of 3 amino acid(s) of the HAND1 protein (p.Ala19_Pro21dup), but otherwise preserves the integrity of the reading frame. This variant is not present in population databases (gnomAD no frequency). This variant has not been reported in the literature in individuals affected with HAND1-related conditions. In summary, the available evidence is currently insufficient to determine the role of this variant in disease. Therefore, it has been classified as a Variant of Uncertain Significance.